The following is an entry in ClinVar:

NM_001105206.3(LAMA4):c.587A>G (p.Asn196Ser)

Gene: LAMA4 (laminin subunit alpha 4; minus strand). Cytogenetic location: 6q21.
Variant type: single nucleotide variant.
Coding change: c.587A>G on transcript NM_001105206.3 (MANE Select); coding-DNA position 587, A replaced by G.
Protein change: p.Asn196Ser; replaces asparagine 196 with serine.
Molecular consequence: missense variant.
Genome position (GRCh38, 1-based): chr6:112,191,767, T>C on the plus strand (A>G on the coding strand, the complement: LAMA4 is on the minus strand). VCF-style: chr6-112191767-T-C. GRCh37 (hg19) VCF-style: chr6-112512969-T-C.
Other names: c.587A>G, p.Asn196Ser (NM_001105207.3, NM_002290.5); short protein forms N196S.
Identifiers: ClinVar variation 2456030 (VCV002456030.2), dbSNP rs1783134949, ClinGen allele CA365378237.

ClinVar aggregate classification (germline): Uncertain significance (1 of 4 stars; one submission).

Conditions:
Cardiovascular phenotype. Identifiers: MedGen CN230736.

Allele frequency attached by ClinVar (database versions not stated): TOPMed below 0.00001.

Submission:

Ambry Genetics
Classification: Uncertain significance for Cardiovascular phenotype. Last evaluated: 2022-11-17. Review status: criteria provided, single submitter. Criteria: Ambry Variant Classification Scheme 2023. Collection method: clinical testing. Allele origin: germline.
Comment: The p.N196S variant (also known as c.587A>G), located in coding exon 5 of the LAMA4 gene, results from an A to G substitution at nucleotide position 587. The asparagine at codon 196 is replaced by serine, an amino acid with highly similar properties. This amino acid position is conserved. In addition, this alteration is predicted to be tolerated by in silico analysis. Since supporting evidence is limited at this time, the clinical significance of this alteration remains unclear.